The following is an entry in ClinVar:

ClinVar aggregate classification (germline): Uncertain significance (1 of 4 stars; one submission).

Submission:

Women's Health and Genetics/Laboratory Corporation of America, LabCorp
Classification: Uncertain significance. Last evaluated: 2025-12-05. Review status: criteria provided, single submitter. Criteria: LabCorp Variant Classification Summary - May 2015. Collection method: clinical testing. Allele origin: germline.
Comment: Variant summary: COL5A1 c.3310C>G (p.Pro1104Ala) results in a non-conservative amino acid change in the encoded protein sequence. Algorithms developed to predict the effect of missense changes on protein structure and function all suggest that this variant is likely to be disruptive. The variant was absent in 155186 control chromosomes. The available data on variant occurrences in the general population are insufficient to allow any conclusion about variant significance. To our knowledge, no occurrence of c.3310C>G in individuals affected with COL5A1-related conditions and no experimental evidence demonstrating its impact on protein function have been reported. No submitters have cited clinical-significance assessments for this variant to ClinVar. Based on the evidence outlined above, the variant was classified as uncertain significance.

NM_000093.5(COL5A1):c.3310C>G (p.Pro1104Ala)

Gene: COL5A1 (collagen type V alpha 1 chain; plus strand). Cytogenetic location: 9q34.3.
Variant type: single nucleotide variant.
Coding change: c.3310C>G on transcript NM_000093.5 (MANE Select); coding-DNA position 3310, C replaced by G.
Protein change: p.Pro1104Ala; replaces proline 1104 with alanine.
Molecular consequence: missense variant.
Genome position (GRCh38, 1-based): chr9:134,806,240, C>G. VCF-style: chr9-134806240-C-G. GRCh37 (hg19) VCF-style: chr9-137698086-C-G.
Other names: c.3310C>G, p.Pro1104Ala (NM_001278074.1); short protein forms P1104A.
Identifiers: ClinVar variation 4688539 (VCV004688539.1).
Genomic context (GRCh38, chr9:134,806,240, plus strand): 5'-CCACCTCAGGGATCTCCAGGGGAGAGAGGTCCAGCTGGAGCCGCTGGGCCCATCGGAATT[C>G]CAGGGAGACCTGGGCCCCAGGGACCCCCAGGGCCGGCAGGAGAGAAAGGGGCTCCTGTAA-3'
Protein context (NP_000084.3, residues 1094-1114): PAGAAGPIGI[Pro1104Ala]GRPGPQGPPG